The following is an entry in ClinVar:

NM_032888.4(COL27A1):c.3951G>A (p.Val1317=)

Gene: COL27A1 (collagen type XXVII alpha 1 chain; plus strand). Cytogenetic location: 9q32.
Variant type: single nucleotide variant.
Coding change: c.3951G>A on transcript NM_032888.4 (MANE Select); coding-DNA position 3951, G replaced by A.
Protein change: p.Val1317=; no amino-acid change (valine 1317 retained).
Molecular consequence: synonymous variant.
Genome position (GRCh38, 1-based): chr9:114,284,741, G>A. VCF-style: chr9-114284741-G-A. GRCh37 (hg19) VCF-style: chr9-117047021-G-A.
Other names: c.3951G>A (NM_032888.3).
Identifiers: ClinVar variation 1159536 (VCV001159536.11), dbSNP rs758174752, ClinGen allele CA5202700.
Genomic context (GRCh38, chr9:114,284,741, plus strand): 5'-CTGAGTCCTCATTCTCACTTCCCTCCTTCTTGTTTGCCTGCAGGGACACAAAGGCATTGT[G>A]GGACCCCTTGGACCTCCTGGACCAAAAGGCGAAAAGGTGGGTGTTTGCTCTGGGGAAAGC-3'
Protein context (NP_116277.2, residues 1307-1327): LAGYDGHKGI[Val1317=]GPLGPPGPKG

ClinVar aggregate classification (germline): Likely benign. Review status: criteria provided, single submitter (1 of 4 stars). 2 submissions from 2 submitters: Likely benign (1). 1 of the submissions does not count toward it. Last evaluated 2025-02-06.

Conditions:
COL27A1-related disorder. Also called: COL27A1-related condition.

Allele frequency attached by ClinVar (database versions not stated): gnomAD 0.00001; gnomAD exomes 0.00001 and 0.00002; TOPMed 0.00001; ExAC 0.00002.
gnomAD v4.1: 18 of 1,614,070 alleles (0.0011%); highest among the groups gnomAD compares: Middle Eastern, 0.016%; no homozygotes.

Submissions (2):

Labcorp Genetics (formerly Invitae), Labcorp
Classification: Likely benign. Last evaluated: 2025-02-06. Review status: criteria provided, single submitter. Criteria: Invitae Variant Classification Sherloc (09022015). Collection method: clinical testing. Allele origin: germline.

PreventionGenetics, part of Exact Sciences
Classification: Benign for COL27A1-related condition. Last evaluated: 2019-09-09. Review status: no assertion criteria provided. Collection method: clinical testing. Allele origin: germline. Not counted in ClinVar's aggregate classification.
Comment: This variant is classified as benign based on ACMG/AMP sequence variant interpretation guidelines (Richards et al. 2015 PMID: 25741868, with internal and published modifications).